The following is an entry in ClinVar:

NM_000122.2(ERCC3):c.1297C>G (p.Gln433Glu)

Gene: ERCC3 (ERCC excision repair 3, TFIIH core complex helicase subunit; minus strand). Cytogenetic location: 2q14.3.
Variant type: single nucleotide variant.
Coding change: c.1297C>G on transcript NM_000122.2 (MANE Select); coding-DNA position 1297, C replaced by G.
Protein change: p.Gln433Glu; replaces glutamine 433 with glutamic acid.
Molecular consequence: missense variant.
Genome position (GRCh38, 1-based): chr2:127,286,748, G>C on the plus strand (C>G on the coding strand, the complement: ERCC3 is on the minus strand). VCF-style: chr2-127286748-G-C. GRCh37 (hg19) VCF-style: chr2-128044324-G-C.
Other names: c.1105C>G, p.Gln369Glu (NM_001303416.2, NM_001303418.2); short protein forms Q369E, Q433E.
Identifiers: ClinVar variation 1692157 (VCV001692157.1), dbSNP rs766583866, ClinGen allele CA348389576.

ClinVar aggregate classification (germline): Uncertain significance (1 of 4 stars; one submission).

Conditions:
Xeroderma pigmentosum (XP). Identifiers: Orphanet 910, MedGen C0043346, MONDO:0019600.

Submission:

Sema4
Classification: Uncertain significance for Xeroderma pigmentosum. Last evaluated: 2021-08-09. Review status: criteria provided, single submitter. Criteria: Sema4 Curation Guidelines. Collection method: curation. Allele origin: germline.
Comment: The ERCC3 c.1297C>G (p.Q433E) variant has not been reported in the literature to our knowledge. It was not observed in the large and broad cohorts of the Genome Aggregation Database and has not been reported in ClinVar. Functional studies have not been performed, and in silico predictions of the variant's effect on protein function are inconclusive. The evidence is insufficient to meet ACMG/AMP criteria for classifying the variant as benign or pathogenic. Thus, the clinical significance of this variant is currently uncertain.